The following is an entry in ClinVar:

ClinVar aggregate classification (germline): Likely pathogenic (1 of 4 stars; one submission).

Conditions:
GRACILE syndrome (FLNMS). Also called: FELLMAN SYNDROME; FINNISH LETHAL NEONATAL METABOLIC SYNDROME. Identifiers: Orphanet 53693, MedGen C1864002, MONDO:0011308, OMIM 603358.

gnomAD v4.1: 1 of 1,614,124 alleles (0.000062%); highest among the groups gnomAD compares: Non-Finnish European, 0.000085%; no homozygotes.

Submission:

Natera, Inc.
Classification: Likely pathogenic for GRACILE syndrome. Last evaluated: 2024-05-13. Review status: criteria provided, single submitter. Criteria: Natera Variant Classification Schema (03/2026). Collection method: clinical testing. Allele origin: germline.
Comment: The c.904C>T variant in BCS1L is a nonsense variant predicted to introduce a stop codon at amino acid 302. This variant is expected to result in nonsense mediated decay, truncation, or a dysfunctional protein product. This variant is rare in the general population with a frequency below the threshold expected for the associated phenotype(s). Given the available evidence, this variant is classified as Likely Pathogenic.

NM_001079866.2(BCS1L):c.904C>T (p.Gln302Ter)

Gene: BCS1L (BCS1 ubiquinol-cytochrome c reductase complex chaperone; plus strand). Cytogenetic location: 2q35.
Variant type: single nucleotide variant.
Coding change: c.904C>T on transcript NM_001079866.2 (MANE Select); coding-DNA position 904, C replaced by T.
Protein change: p.Gln302Ter; replaces glutamine 302 with a stop codon.
Molecular consequence: nonsense. On other transcripts: non-coding transcript variant (1).
Genome position (GRCh38, 1-based): chr2:218,662,897, C>T. VCF-style: chr2-218662897-C-T. GRCh37 (hg19) VCF-style: chr2-219527620-C-T.
Other names: c.904C>T, p.Gln302Ter (NM_001257342.2, NM_001257343.2, NM_001257344.2 and 10 more transcripts); c.544C>T, p.Gln182Ter (NM_001318836.2, NM_001371451.1); c.403C>T, p.Gln135Ter (NM_001371452.1, NM_001371453.1, NM_001371454.1 and 3 more transcripts); short protein forms Q135*, Q182*, Q302*.
Identifiers: ClinVar variation 4815344 (VCV004815344.1).